The following is an entry in ClinVar:

ClinVar aggregate classification (germline): Uncertain significance. Review status: criteria provided, multiple submitters, no conflicts (2 of 4 stars). 2 submissions from 2 submitters: Uncertain significance (2). Last evaluated 2025-03-12.

gnomAD v4.1: 1 of 1,614,052 alleles (0.000062%); highest among the groups gnomAD compares: Admixed American, 0.0017%; no homozygotes.

Submissions (2):

GeneDx
Classification: Uncertain significance. Last evaluated: 2025-03-12. Review status: criteria provided, single submitter. Criteria: GeneDx Variant Classification Process June 2021. Collection method: clinical testing. Allele origin: germline. Affected: yes.
Comment: Not observed at significant frequency in large population cohorts (gnomAD); In silico analysis indicates that this missense variant does not alter protein structure/function; Has not been previously published as pathogenic or benign to our knowledge

Labcorp Genetics (formerly Invitae), Labcorp
Classification: Uncertain significance. Last evaluated: 2022-10-13. Review status: criteria provided, single submitter. Criteria: Invitae Variant Classification Sherloc (09022015). Collection method: clinical testing. Allele origin: germline.
Comment: This sequence change replaces glutamic acid, which is acidic and polar, with aspartic acid, which is acidic and polar, at codon 609 of the USH2A protein (p.Glu609Asp). This variant is present in population databases (no rsID available, gnomAD 0.003%). This variant has not been reported in the literature in individuals affected with USH2A-related conditions. Advanced modeling of protein sequence and biophysical properties (such as structural, functional, and spatial information, amino acid conservation, physicochemical variation, residue mobility, and thermodynamic stability) performed at Invitae indicates that this missense variant is not expected to disrupt USH2A protein function. In summary, the available evidence is currently insufficient to determine the role of this variant in disease. Therefore, it has been classified as a Variant of Uncertain Significance.

NM_206933.4(USH2A):c.1827G>C (p.Glu609Asp)

Gene: USH2A (usherin; minus strand). Cytogenetic location: 1q41.
Variant type: single nucleotide variant.
Coding change: c.1827G>C on transcript NM_206933.4 (MANE Select); coding-DNA position 1827, G replaced by C.
Protein change: p.Glu609Asp; replaces glutamic acid 609 with aspartic acid.
Molecular consequence: missense variant.
Genome position (GRCh38, 1-based): chr1:216,292,188, C>G on the plus strand (G>C on the coding strand, the complement: USH2A is on the minus strand). VCF-style: chr1-216292188-C-G. GRCh37 (hg19) VCF-style: chr1-216465530-C-G.
Other names: c.1827G>C, p.Glu609Asp (NM_007123.6); c.1827G>C (NM_206933.2); short protein forms E609D.
Identifiers: ClinVar variation 2160335 (VCV002160335.2), dbSNP rs983255711, ClinGen allele CA37892154.